The following is an entry in ClinVar:

NM_001372044.2(SHANK3):c.4081C>T (p.Pro1361Ser)

Gene: SHANK3 (SH3 and multiple ankyrin repeat domains 3; plus strand). Cytogenetic location: 22q13.33.
Variant type: single nucleotide variant.
Coding change: c.4081C>T on transcript NM_001372044.2 (MANE Select); coding-DNA position 4081, C replaced by T.
Protein change: p.Pro1361Ser; replaces proline 1361 with serine.
Molecular consequence: missense variant.
Genome position (GRCh38, 1-based): chr22:50,721,689, C>T. VCF-style: chr22-50721689-C-T. GRCh37 (hg19) VCF-style: chr22-51160117-C-T.
Other names: c.3856C>T (NM_033517.1); short protein forms P1361S.
Identifiers: ClinVar variation 1176012 (VCV001176012.36), dbSNP rs1219979283, ClinGen allele CA515263215.
Genomic context (GRCh38, chr22:50,721,689, plus strand): 5'-GCCGGGCCAGGCCAGGGCAGCTCAGAGGAAGAGCCAGAGCTGGTGTTTGCTGTGAACCTG[C>T]CACCTGCCCAGCTGTCGTCCAGCGATGAGGAGACCAGGGAGGAGCTGGCCCGAATTGGGT-3'
Protein context (NP_001358973.1, residues 1351-1371): EPELVFAVNL[Pro1361Ser]PAQLSSSDEE

ClinVar aggregate classification (germline): Uncertain significance. Review status: criteria provided, multiple submitters, no conflicts (2 of 4 stars). 2 submissions from 2 submitters: Uncertain significance (2). Last evaluated 2024-04-15.

Allele frequency attached by ClinVar (database versions not stated): gnomAD exomes below 0.00001.

Submissions (2):

GeneDx
Classification: Uncertain significance. Last evaluated: 2024-04-15. Review status: criteria provided, single submitter. Criteria: GeneDx Variant Classification Process June 2021. Collection method: clinical testing. Allele origin: germline. Affected: yes.
Comment: Not observed at significant frequency in large population cohorts (gnomAD); In silico analysis supports that this missense variant has a deleterious effect on protein structure/function; Has not been previously published as pathogenic or benign to our knowledge

CeGaT Center for Human Genetics Tuebingen
Classification: Uncertain significance. Last evaluated: 2021-05-01. Review status: criteria provided, single submitter. Criteria: CeGaT Center For Human Genetics Tuebingen Variant Classification Criteria Version 2. Collection method: clinical testing. Allele origin: germline. Affected: yes. Observed: 1 variant allele.